The following is an entry in ClinVar:

GRCh37/hg19 Xp21.1(chrX:32563085-32787197)x0

Gene: DMD (dystrophin; minus strand). Cytogenetic location: Xp21.1.
Variant type: copy number loss.
Change: copy number 0 of chrX:32,563,085-32,787,197 (224.1 kb, GRCh37 coordinates, 1-based), cytogenetic band Xp21.1.
Identifiers: ClinVar variation 1808603 (VCV001808603.1).

ClinVar aggregate classification (germline): Pathogenic (1 of 4 stars; one submission).

Submission:

Quest Diagnostics Nichols Institute San Juan Capistrano
Classification: Pathogenic. Last evaluated: 2022-03-23. Review status: criteria provided, single submitter. Criteria: ACMG/ClinGen CNV Guidelines, 2019. Collection method: clinical testing. Allele origin: unknown.
Comment: This deletion includes exons 8-17 of the DMD gene (OMIM 300377, NM_004006). Whole gene and intragenic deletions, as well as intragenic duplications and sequence-level mutations, of gene DMD have been identified in a spectrum of muscle diseases known as the dystrophinopathies; Duchenne Muscular Dystrophy (DMD; OMIM 310200), Becker Muscular Dystrophy (BMD; OMIM 300376), and dilated cardiomyopathy 3B (CMD3B; OMIM 302045), all of which involve progressive deterioration of muscle tissue and resultant weakness. The phenotype is best correlated with the degree of dystrophin protein expression. Reference: Darras et al . Dystrophinopathies. 2000 Sep 5 [Updated 2022 Jan 20]. GeneReviews.